The following is an entry in ClinVar:

NM_004260.4(RECQL4):c.3616G>A (p.Val1206Met)

Gene: RECQL4 (RecQ like helicase 4; minus strand). Cytogenetic location: 8q24.3.
Variant type: single nucleotide variant.
Coding change: c.3616G>A on transcript NM_004260.4 (MANE Select); coding-DNA position 3616, G replaced by A.
Protein change: p.Val1206Met; replaces valine 1206 with methionine.
Molecular consequence: missense variant.
Genome position (GRCh38, 1-based): chr8:144,511,442, C>T on the plus strand (G>A on the coding strand, the complement: RECQL4 is on the minus strand). VCF-style: chr8-144511442-C-T. GRCh37 (hg19) VCF-style: chr8-145736825-C-T.
Other names: short protein forms V1206M.
Identifiers: ClinVar variation 1470728 (VCV001470728.7), dbSNP rs1346196114, ClinGen allele CA372665575.

ClinVar aggregate classification (germline): Uncertain significance (1 of 4 stars; one submission).

Conditions:
Baller-Gerold syndrome (BGS). Also called: CRANIOSYNOSTOSIS WITH RADIAL DEFECTS. Identifiers: Orphanet 1225, MedGen C0265308, MONDO:0009039, OMIM 218600.

Allele frequency attached by ClinVar (database versions not stated): gnomAD exomes below 0.00001; TOPMed below 0.00001.
gnomAD v4.1: 1 of 1,612,442 alleles (0.000062%); highest among the groups gnomAD compares: East Asian, 0.0022%; no homozygotes.

Submission:

Labcorp Genetics (formerly Invitae), Labcorp
Classification: Uncertain significance for Baller-Gerold syndrome. Last evaluated: 2022-07-25. Review status: criteria provided, single submitter. Criteria: Invitae Variant Classification Sherloc (09022015). Collection method: clinical testing. Allele origin: germline.
Comment: ClinVar contains an entry for this variant (Variation ID: 1470728). In summary, the available evidence is currently insufficient to determine the role of this variant in disease. Therefore, it has been classified as a Variant of Uncertain Significance. Experimental studies and prediction algorithms are not available or were not evaluated, and the functional significance of this variant is currently unknown. This variant has not been reported in the literature in individuals affected with RECQL4-related conditions. This variant is not present in population databases (gnomAD no frequency). This sequence change replaces valine, which is neutral and non-polar, with methionine, which is neutral and non-polar, at codon 1206 of the RECQL4 protein (p.Val1206Met).